The following is an entry in ClinVar:

NM_001378454.1(ALMS1):c.2968C>T (p.Gln990Ter)

Gene: ALMS1 (ALMS1 centrosome and basal body associated protein; plus strand). Cytogenetic location: 2p13.1.
Variant type: single nucleotide variant.
Coding change: c.2968C>T on transcript NM_001378454.1 (MANE Select); coding-DNA position 2968, C replaced by T.
Protein change: p.Gln990Ter; replaces glutamine 990 with a stop codon.
Molecular consequence: nonsense.
Genome position (GRCh38, 1-based): chr2:73,449,495, C>T. VCF-style: chr2-73449495-C-T. GRCh37 (hg19) VCF-style: chr2-73676622-C-T.
Other names: c.2971C>T, p.Gln991Ter (NM_015120.4); short protein forms Q990*, Q991*.
Identifiers: ClinVar variation 4815779 (VCV004815779.1).

ClinVar aggregate classification (germline): Likely pathogenic (1 of 4 stars; one submission).

Conditions:
Alstrom syndrome (ALMS). Identifiers: Orphanet 64, MedGen C0268425, MONDO:0008763, OMIM 203800.

Submission:

Natera, Inc.
Classification: Likely pathogenic for Alstrom syndrome. Last evaluated: 2024-03-27. Review status: criteria provided, single submitter. Criteria: Natera Variant Classification Schema (03/2026). Collection method: clinical testing. Allele origin: germline.
Comment: The c.2971C>T variant in ALMS1 is a nonsense variant predicted to introduce a stop codon at amino acid 991. This variant is expected to result in nonsense mediated decay, truncation, or a dysfunctional protein product. This variant is rare in the general population with a frequency below the threshold expected for the associated phenotype(s). Given the available evidence, this variant is classified as Likely Pathogenic.